The following is an entry in ClinVar:

ClinVar aggregate classification (germline): Uncertain significance. Review status: criteria provided, multiple submitters, no conflicts (2 of 4 stars). 2 submissions from 2 submitters: Uncertain significance (2). Last evaluated 2025-03-17.

Conditions:
Inborn genetic diseases. Identifiers: MedGen C0950123, MeSH D030342.

Allele frequency attached by ClinVar (database versions not stated): ESP Exome Variant Server 0.00008; ExAC 0.00011; gnomAD exomes 0.00012 and 0.00019; gnomAD 0.00013 and 0.00014; TOPMed 0.00015.
gnomAD v4.1: 305 of 1,612,804 alleles (0.019%); highest among the groups gnomAD compares: Non-Finnish European, 0.022%; no homozygotes.

Submissions (2):

Labcorp Genetics (formerly Invitae), Labcorp
Classification: Uncertain significance. Last evaluated: 2025-03-17. Review status: criteria provided, single submitter. Criteria: Invitae Variant Classification Sherloc (09022015). Collection method: clinical testing. Allele origin: germline.
Comment: This sequence change replaces threonine, which is neutral and polar, with methionine, which is neutral and non-polar, at codon 620 of the XYLT2 protein (p.Thr620Met). This variant is present in population databases (rs368387862, gnomAD 0.02%). This variant has not been reported in the literature in individuals affected with XYLT2-related conditions. ClinVar contains an entry for this variant (Variation ID: 1442729). Invitae Evidence Modeling of protein sequence and biophysical properties (such as structural, functional, and spatial information, amino acid conservation, physicochemical variation, residue mobility, and thermodynamic stability) indicates that this missense variant is not expected to disrupt XYLT2 protein function with a negative predictive value of 80%. In summary, the available evidence is currently insufficient to determine the role of this variant in disease. Therefore, it has been classified as a Variant of Uncertain Significance.

Ambry Genetics
Classification: Uncertain significance for Inborn genetic diseases. Last evaluated: 2024-10-29. Review status: criteria provided, single submitter. Criteria: Ambry Variant Classification Scheme 2023. Collection method: clinical testing. Allele origin: germline.

NM_022167.4(XYLT2):c.1859C>T (p.Thr620Met)

Gene: XYLT2 (xylosyltransferase 2; plus strand). Cytogenetic location: 17q21.33.
Variant type: single nucleotide variant.
Coding change: c.1859C>T on transcript NM_022167.4 (MANE Select); coding-DNA position 1859, C replaced by T.
Protein change: p.Thr620Met; replaces threonine 620 with methionine.
Molecular consequence: missense variant.
Genome position (GRCh38, 1-based): chr17:50,357,170, C>T. VCF-style: chr17-50357170-C-T. GRCh37 (hg19) VCF-style: chr17-48434531-C-T.
Other names: c.1859C>T (NM_022167.2); short protein forms T620M.
Identifiers: ClinVar variation 1442729 (VCV001442729.8), dbSNP rs368387862, ClinGen allele CA8646585.